The following is an entry in ClinVar:

ClinVar aggregate classification (germline): Likely benign (1 of 4 stars; one submission).

Allele frequency attached by ClinVar (database versions not stated): TOPMed below 0.00001.

Submission:

GeneDx
Classification: Likely benign. Last evaluated: 2016-09-26. Review status: criteria provided, single submitter. Criteria: GeneDx Variant Classification (06012015). Collection method: clinical testing. Allele origin: germline. Affected: yes.
Comment: This variant is considered likely benign or benign based on one or more of the following criteria: it is a conservative change, it occurs at a poorly conserved position in the protein, it is predicted to be benign by multiple in silico algorithms, and/or has population frequency not consistent with disease.

NM_000051.4(ATM):c.-42C>T

Gene: ATM (ATM serine/threonine kinase; plus strand). Cytogenetic location: 11q22.3.
Variant type: single nucleotide variant.
Coding change: c.-42C>T on transcript NM_000051.4 (MANE Select); 42 bases upstream of the start codon, C replaced by T.
Molecular consequence: 5 prime UTR variant.
Genome position (GRCh38, 1-based): chr11:108,223,175, C>T. VCF-style: chr11-108223175-C-T. GRCh37 (hg19) VCF-style: chr11-108093902-C-T.
Other names: c.-130C>T (NM_001351834.2); c.-42C>T (NM_001351835.2).
Identifiers: ClinVar variation 389599 (VCV000389599.1), dbSNP rs1057523482, ClinGen allele CA16606018.